The following is an entry in ClinVar:

ClinVar aggregate classification (somatic clinical impact): Tier II - Potential (1 of 4 stars; one submission).

Conditions:
High grade malignant neoplasm. Identifiers: MedGen C1334017, MONDO:0020665.

Submission:

Institute for Genomic Medicine (IGM) Clinical Laboratory, Nationwide Children's Hospital
Classification: Tier II - Potential for High grade malignant neoplasm. Assertion type: diagnostic. Clinical significance: supports diagnosis. Last evaluated: 2023-07-17. Review status: criteria provided, single submitter. Criteria: AMP/ASCO/CAP Guidelines, 2017. Collection method: clinical testing. Allele origin: somatic. Affected: yes.
Comment: Variant has Tier II (potential) clinical significance as a diagnostic inclusion criterion in high grade malignant neoplasm, based on the following evidence: 1) Information in the literature supports potential biologic effect of variant (PMIDs: 18339845, 21248752, 22949125). 2) Assists in diagnosis alone or along with other biomarkers based on small studies or few case reports (Evidence Level D; PMIDs: 33020650, 28481359).

Literature cited by the submitters: PubMed 18339845; PubMed 21248752; PubMed 22949125; PubMed 33020650; PubMed 28481359.

NM_001405607.1(PBRM1):c.1448_1451del (p.Lys483fs)

Gene: PBRM1 (polybromo 1; minus strand). Cytogenetic location: 3p21.1.
Variant type: Deletion.
Coding change: c.1448_1451del on transcript NM_001405607.1 (MANE Select); coding-DNA positions 1448 to 1451, 4 bases deleted (AGAA; older notation c.1448_1451delAGAA).
Protein change: p.Lys483fs; shifts the reading frame from lysine 483.
Molecular consequence: frameshift variant. On other transcripts: 5 prime UTR variant (3), non-coding transcript variant (2).
Genome position (GRCh38, 1-based): chr3:52,627,363-52,627,366, TTCT deleted on the plus strand (AGAA on the coding strand, the reverse complement: PBRM1 is on the minus strand); deleting any 4 consecutive bases within chr3:52,627,363-52,627,368 gives the same sequence; the c. name uses the placement nearest the transcript's 3' end. VCF-style (leftmost placement, unchanged base first): chr3-52627362-CTTCT-C. GRCh37 (hg19) VCF-style: chr3-52661378-CTTCT-C.
Other names: c.1448_1451del, p.Lys483fs (NM_001394871.1, NM_001394872.1, NM_001394873.1 and 72 more transcripts); c.1412_1415del, p.Lys471fs (NM_001394878.1); c.1352_1355del, p.Lys451fs (NM_001394879.1, NM_001400487.1, NM_001405572.1 and 6 more transcripts); c.1469_1472del, p.Lys490fs (NM_001400472.1); c.1550_1553del, p.Lys517fs (NM_001405552.1); c.1511_1514del, p.Lys504fs (NM_001405553.1, NM_001350074.2, NM_001350076.2 and 7 more transcripts); c.1556_1559del, p.Lys519fs (NM_001405554.1); c.1349_1352del, p.Lys450fs (NM_001405560.1, NM_001405642.1); and 12 more; short protein forms K104fs, K421fs, K435fs, K444fs, K450fs, K451fs, K460fs, K469fs.
Identifiers: ClinVar variation 4530413 (VCV004530413.1).